The following is an entry in ClinVar:

NM_001384140.1(PCDH15):c.400C>T (p.Arg134Ter)

Gene: PCDH15 (protocadherin related 15; minus strand). Cytogenetic location: 10q21.1.
Variant type: single nucleotide variant.
Coding change: c.400C>T on transcript NM_001384140.1 (MANE Select); coding-DNA position 400, C replaced by T.
Protein change: p.Arg134Ter; replaces arginine 134 with a stop codon.
Molecular consequence: nonsense.
Genome position (GRCh38, 1-based): chr10:54,369,194, G>A on the plus strand (C>T on the coding strand, the complement: PCDH15 is on the minus strand). VCF-style: chr10-54369194-G-A. GRCh37 (hg19) VCF-style: chr10-56128954-G-A.
Other names: NM_001384140.1(PCDH15):c.400C>T; p.Arg134Ter; c.415C>T, p.Arg139Ter (NM_001142763.2, NM_001142769.4, NM_001142771.2); c.400C>T, p.Arg134Ter (NM_001142764.2, NM_001142765.2, NM_001142766.2 and 8 more transcripts); c.334C>T, p.Arg112Ter (NM_001142768.2, NM_001142773.2, NM_001354404.2); short protein forms R134*, R112*, R139*.
Identifiers: ClinVar variation 218194 (VCV000218194.14), dbSNP rs137853003, ClinGen allele CA10575816.
Genomic context (GRCh38, chr10:54,369,194, plus strand): 5'-CATAGTAGCTTTCATGCTTGAAAGTGGGTGAGTTGTCATTCCTGTCTCTCACCACTATTC[G>A]CACTTCATGGTAGATAATAGTGCCCACTTTTTTGTTGATGCACTGGACCTGCACCACAAT-3'

ClinVar aggregate classification (germline): Pathogenic. Review status: criteria provided, multiple submitters, no conflicts (2 of 4 stars). 8 submissions from 8 submitters: Pathogenic (6). 2 of the submissions do not count toward it. Last evaluated 2025-10-02.

Conditions:
Autosomal recessive nonsyndromic hearing loss 23. Identifiers: Orphanet 90636, MedGen C1836027, MONDO:0012293, OMIM 609533.
Usher syndrome type 1F (USH1F). Also called: USHER SYNDROME, TYPE IF. Identifiers: Orphanet 231169, Orphanet 886, MedGen C1865885, MONDO:0011186, OMIM 602083.
Usher syndrome type 1 (USH1). Also called: RETINITIS PIGMENTOSA AND CONGENITAL DEAFNESS. Identifiers: Orphanet 231169, Orphanet 886, MedGen C1568247, MONDO:0010168, OMIM 276900.

Allele frequency attached by ClinVar (database versions not stated): gnomAD 0.00001.

Submissions (8):

Natera, Inc.
Classification: Pathogenic for Usher syndrome type 1F. Last evaluated: 2025-10-02. Review status: criteria provided, single submitter. Criteria: Natera Variant Classification Schema (03/2026). Collection method: clinical testing. Allele origin: germline.
Comment: The c.400C>T variant in PCDH15 is a nonsense variant predicted to introduce a stop codon at amino acid 134. This variant is expected to result in nonsense mediated decay, truncation, or a dysfunctional protein product. This variant is rare in the general population with a frequency below the threshold expected for the associated phenotype(s). This variant has been observed in one or more individuals affected with the associated recessive disease, as either homozygous or compound heterozygous with a second variant (PMID: 26791358). Given the available evidence, this variant is classified as Pathogenic.

Labcorp Genetics (formerly Invitae), Labcorp
Classification: Pathogenic. Last evaluated: 2024-02-22. Review status: criteria provided, single submitter. Criteria: Invitae Variant Classification Sherloc (09022015). Collection method: clinical testing. Allele origin: germline.
Comment: This sequence change creates a premature translational stop signal (p.Arg134*) in the PCDH15 gene. It is expected to result in an absent or disrupted protein product. Loss-of-function variants in PCDH15 are known to be pathogenic (PMID: 11398101, 11487575, 14570705). This variant is present in population databases (no rsID available, gnomAD 0.003%). This premature translational stop signal has been observed in individual(s) with Usher syndrome (PMID: 27440999). ClinVar contains an entry for this variant (Variation ID: 218194). For these reasons, this variant has been classified as Pathogenic.

Baylor Genetics
Classification: Pathogenic for Autosomal recessive nonsyndromic hearing loss 23. Last evaluated: 2024-02-08. Review status: criteria provided, single submitter. Criteria: ACMG Guidelines, 2015. Collection method: clinical testing. Allele origin: unknown.

Institute of Medical Genetics and Applied Genomics, University Hospital Tübingen
Classification: Pathogenic for Usher syndrome type 1. Last evaluated: 2023-10-10. Review status: criteria provided, single submitter. Criteria: ACMG Guidelines, 2015. Collection method: clinical testing. Allele origin: germline. Inheritance: Autosomal recessive inheritance. Affected: yes.

Broad Center for Mendelian Genomics, Broad Institute of MIT and Harvard
Classification: Pathogenic for Usher syndrome type 1F. Last evaluated: 2023-01-24. Review status: criteria provided, single submitter. Criteria: ACMG Guidelines, 2015. Collection method: curation. Allele origin: germline. Inheritance: Autosomal recessive inheritance.
Comment: The p.Arg134Ter variant in PCDH15 has been reported in 3 individuals with Usher syndrome type 1F (Ruiz_2016, PMID: 24940003, 27440999), segregated with disease in 2 affected relatives from 2 families (24940003, Ruiz_2016), and has been identified in 0.003% (1/30596) of South Asian chromosomes by the Genome Aggregation Database (gnomAD; dbSNP ID: rs137853003). Although this variant has been seen in the general population in a heterozygous state, its frequency is low enough to be consistent with a recessive carrier frequency. This variant has also been reported in ClinVar (Variation ID#: 218194) and has been interpreted as pathogenic or likely pathogenic by Counsyl, Invitae, and Centre de Biotechnologie de Sfax (Universit√© de Sfax). Of the 3 affected individuals, 2 of those were homozygotes, which increases the likelihood that the p.Tyr579Ter variant is pathogenic (Ruiz_2016, PMID: 27440999). This nonsense variant leads to a premature termination codon at position 134, which is predicted to lead to a truncated or absent protein. Loss of function of the PCDH15 gene is an established disease mechanism in autosomal recessive Usher syndrome type 1F. In summary, this variant meets criteria to be classified as pathogenic for autosomal recessive Usher syndrome type 1F. ACMG/AMP Criteria applied: PVS1, PM3, PM2_supporting, PP1 (Richards 2015).

Women's Health and Genetics/Laboratory Corporation of America, LabCorp
Classification: Pathogenic for Usher syndrome type 1F. Last evaluated: 2022-07-20. Review status: criteria provided, single submitter. Criteria: LabCorp Variant Classification Summary - May 2015. Collection method: clinical testing. Allele origin: germline.
Comment: Variant summary: PCDH15 c.400C>T (p.Arg134X) results in a premature termination codon, predicted to cause a truncation of the encoded protein or absence of the protein due to nonsense mediated decay, which are commonly known mechanisms for disease. Truncations downstream of this position have been classified as pathogenic by our laboratory. The variant allele was found at a frequency of 4e-06 in 250744 control chromosomes. c.400C>T has been reported in the literature in individuals affected with features of Usher Syndrome (example, Pepermans_2014, Yoshimura_2016, Ben-Rebeh_2016). These data indicate that the variant is likely to be associated with disease. Three clinical diagnostic laboratories have submitted clinical-significance assessments for this variant to ClinVar after 2014 without evidence for independent evaluation. All laboratories classified the variant as pathogenic/likely pathogenic. Based on the evidence outlined above, the variant was classified as pathogenic.

Counsyl
Classification: Likely pathogenic for Usher syndrome type 1F. Last evaluated: 2016-02-26. Review status: no assertion criteria provided. Collection method: clinical testing. Allele origin: unknown. Not counted in ClinVar's aggregate classification.

Centre de Biotechnologie de Sfax, Université de Sfax
Classification: Pathogenic for Usher syndrome type 1F. Last evaluated: 2015-04-01. Review status: no assertion criteria provided. Collection method: research. Allele origin: inherited. Affected: yes. Observed: 4 variant alleles. Not counted in ClinVar's aggregate classification.
Comment: This truncating mutation is expected to result in the absence of synthesized protein due to mRNA nonsense mediated decay.

Literature cited by the submitters: PubMed 26791358 (cited by Natera, Inc. and Women's Health and Genetics/Laboratory Corporation of America, LabCorp); PubMed 11398101 (cited by Labcorp Genetics (formerly Invitae), Labcorp); PubMed 11487575 (cited by Labcorp Genetics (formerly Invitae), Labcorp); PubMed 14570705 (cited by Labcorp Genetics (formerly Invitae), Labcorp); PubMed 27440999 (cited by 3 submitters); PubMed 24940003 (cited by Women's Health and Genetics/Laboratory Corporation of America, LabCorp and Counsyl); PubMed 16963483 (cited by Counsyl).